The following is an entry in ClinVar:

NM_004655.4(AXIN2):c.1401G>C (p.Pro467=)

Gene: AXIN2 (axin 2; minus strand). Cytogenetic location: 17q24.1.
Variant type: single nucleotide variant.
Coding change: c.1401G>C on transcript NM_004655.4 (MANE Select); coding-DNA position 1401, G replaced by C.
Protein change: p.Pro467=; no amino-acid change (proline 467 retained).
Molecular consequence: synonymous variant.
Genome position (GRCh38, 1-based): chr17:65,537,635, C>G on the plus strand (G>C on the coding strand, the complement: AXIN2 is on the minus strand). VCF-style: chr17-65537635-C-G. GRCh37 (hg19) VCF-style: chr17-63533753-C-G.
Other names: c.1401G>C, p.Pro467= (NM_001363813.1).
Identifiers: ClinVar variation 3378928 (VCV003378928.1).

ClinVar aggregate classification (germline): Benign (1 of 4 stars; one submission).

Conditions:
Oligodontia-cancer predisposition syndrome. Also called: TOOTH AGENESIS-COLORECTAL CANCER SYNDROME. Identifiers: Orphanet 300576, MedGen C1837750, MONDO:0012075, OMIM 608615. Disease mechanism: loss of function.

Submission:

Myriad Genetics, Inc.
Classification: Benign for Oligodontia-cancer predisposition syndrome. Last evaluated: 2024-07-03. Review status: criteria provided, single submitter. Criteria: Myriad Autosomal Dominant, Autosomal Recessive and X-Linked Classification Criteria (2023). Collection method: clinical testing. Allele origin: unknown.
Comment: This variant is considered benign. This variant is a silent/synonymous amino acid change and it is not expected to impact splicing.